The following is an entry in ClinVar:

NM_153240.5(NPHP3):c.1083T>C (p.Ser361=)

Genes: NPHP3 (nephrocystin 3; minus strand), NPHP3-ACAD11 (NPHP3-ACAD11 readthrough (NMD candidate); minus strand). Cytogenetic location: 3q22.1.
Variant type: single nucleotide variant.
Coding change: c.1083T>C on transcript NM_153240.5 (MANE Select); coding-DNA position 1083, T replaced by C.
Protein change: p.Ser361=; no amino-acid change (serine 361 retained).
Molecular consequence: synonymous variant. On other transcripts: non-coding transcript variant (1).
Genome position (GRCh38, 1-based): chr3:132,713,161, A>G on the plus strand (T>C on the coding strand, the complement: NPHP3 is on the minus strand). VCF-style: chr3-132713161-A-G. GRCh37 (hg19) VCF-style: chr3-132432005-A-G.
Identifiers: ClinVar variation 593670 (VCV000593670.18), dbSNP rs781244729, ClinGen allele CA2622425.

ClinVar aggregate classification (germline): Conflicting classifications of pathogenicity. Review status: criteria provided, conflicting classifications (1 of 4 stars). 4 submissions from 4 submitters: Uncertain significance (1); Benign (1); Likely benign (1). 1 of the submissions does not count toward it. Last evaluated 2026-01-17.

Conditions:
NPHP3-related disorder. Also called: NPHP3-related disorders; NPHP3-related condition. Identifiers: MedGen CN379163.
Nephronophthisis. Also called: Juvenile Nephronophthisis. Identifiers: Orphanet 655, MedGen C0687120, MONDO:0019005, HP:0000090.

Allele frequency attached by ClinVar (database versions not stated): gnomAD 0.00004; gnomAD exomes 0.00005 and 0.00026; TOPMed 0.00006; ExAC 0.00027.
gnomAD v4.1: 75 of 1,503,020 alleles (0.005%); highest among the groups gnomAD compares: Admixed American, 0.14%; no homozygotes.

Submissions (4):

Labcorp Genetics (formerly Invitae), Labcorp
Classification: Benign for Nephronophthisis. Last evaluated: 2026-01-17. Review status: criteria provided, single submitter. Criteria: Invitae Variant Classification Sherloc (09022015). Collection method: clinical testing. Allele origin: germline.

Blueprint Genetics
Classification: Likely benign. Last evaluated: 2022-07-27. Review status: criteria provided, single submitter. Criteria: ACMG Guidelines, 2015. Collection method: clinical testing. Allele origin: germline.

Eurofins Ntd Llc (ga)
Classification: Uncertain significance. Last evaluated: 2017-08-15. Review status: criteria provided, single submitter. Criteria: EGL Classification Definitions 2015. Collection method: clinical testing. Allele origin: germline. Observed: 1 variant allele, 1 heterozygote.

PreventionGenetics, part of Exact Sciences
Classification: Likely benign for NPHP3-related condition. Last evaluated: 2019-04-29. Review status: no assertion criteria provided. Collection method: clinical testing. Allele origin: germline. Not counted in ClinVar's aggregate classification.
Comment: This variant is classified as likely benign based on ACMG/AMP sequence variant interpretation guidelines (Richards et al. 2015 PMID: 25741868, with internal and published modifications).